The following is an entry in ClinVar:

ClinVar aggregate classification (germline): Likely pathogenic. Review status: criteria provided, multiple submitters, no conflicts (2 of 4 stars). 4 submissions from 4 submitters: Likely pathogenic (4). Last evaluated 2025-04-10.

Conditions:
Pretibial dystrophic epidermolysis bullosa. Also called: EPIDERMOLYSIS BULLOSA DYSTROPHICA, PRETIBIAL; Pretibial epidermolysis bullosa; Pretibial blistering. Identifiers: Orphanet 79410, MedGen C0432321, MONDO:0007552, OMIM 131850, HP:0012221.
Dominant dystrophic epidermolysis bullosa with absence of skin. Also called: EPIDERMOLYSIS BULLOSA WITH CONGENITAL LOCALIZED ABSENCE OF SKIN AND DEFORMITY OF NAILS; EPIDERMOLYSIS BULLOSA DYSTROPHICA, BART TYPE. Identifiers: MedGen C0268371, MONDO:0007557, OMIM 132000.
Transient bullous dermolysis of the newborn (TBDN). Also called: DYSTROPHIC EPIDERMOLYSIS BULLOSA, NEONATAL; EPIDERMOLYSIS BULLOSA DYSTROPHICA, NEONATAL FORM. Identifiers: Orphanet 79411, MedGen C1851573, MONDO:0007548, OMIM 131705.
Generalized dominant dystrophic epidermolysis bullosa (DDEB). Also called: DDEB, generalized; DDEB-gen; DYSTROPHIC EPIDERMOLYSIS BULLOSA, AUTOSOMAL DOMINANT; Epidermolysis bullosa dystrophica, autosomal dominant; Dominant DEB (DDEB). Identifiers: Orphanet 231568, MedGen C0432322, MONDO:0007549, OMIM 131750.
Recessive dystrophic epidermolysis bullosa (RDEB). Also called: Hallopeau-Siemens Disease; EPIDERMOLYSIS BULLOSA DYSTROPHICA, GENERALIZED SEVERE, AUTOSOMAL RECESSIVE; Epidermolysis Bullosa Distrophica Autosomal Recessive (RDEB); severe generalized recessive dystrophic epidermolysis bullosa; epidermolysis bullosa dystrophica, autosomal recessive; Recessive DEB (RDEB). Identifiers: Orphanet 79408, Orphanet 79409, MedGen C0079474, MONDO:0009179, OMIM 226600.
Epidermolysis bullosa pruriginosa. Also called: DEB, PRURIGINOSA; DYSTROPHIC EPIDERMOLYSIS BULLOSA PRURIGINOSA. Identifiers: Orphanet 89843, MedGen C1275114, MONDO:0011398, OMIM 604129.
Nonsyndromic congenital nail disorder 8. Also called: TOENAIL DYSTROPHY, ISOLATED. Identifiers: MedGen C1843761, MONDO:0011852, OMIM 607523.
Epidermolysis bullosa dystrophica. Also called: Dystrophic epidermolysis bullosa, Hallopeau-Siemens type (formerly); Dystrophic epidermolysis bullosa. Identifiers: Orphanet 303, MedGen C0079294, MONDO:0006543.

Allele frequency attached by ClinVar (database versions not stated): gnomAD exomes below 0.00001.
gnomAD v4.1: 3 of 1,614,172 alleles (0.00019%); highest among the groups gnomAD compares: Non-Finnish European, 0.00017%; no homozygotes.

Submissions (4):

Labcorp Genetics (formerly Invitae), Labcorp
Classification: Likely pathogenic. Last evaluated: 2025-04-10. Review status: criteria provided, single submitter. Criteria: Invitae Variant Classification Sherloc (09022015). Collection method: clinical testing. Allele origin: germline.
Comment: This sequence change affects a donor splice site in intron 100 of the COL7A1 gene. It is expected to disrupt RNA splicing. Variants that disrupt the donor or acceptor splice site typically lead to a loss of protein function (PMID: 16199547), and loss-of-function variants in COL7A1 are known to be pathogenic (PMID: 16971478). This variant is not present in population databases (gnomAD no frequency). This variant has not been reported in the literature in individuals affected with COL7A1-related conditions. ClinVar contains an entry for this variant (Variation ID: 189226). Algorithms developed to predict the effect of sequence changes on RNA splicing suggest that this variant may disrupt the consensus splice site. In summary, the currently available evidence indicates that the variant is pathogenic, but additional data are needed to prove that conclusively. Therefore, this variant has been classified as Likely Pathogenic.

Natera, Inc.
Classification: Likely pathogenic for Dystrophic epidermolysis bullosa. Last evaluated: 2024-12-27. Review status: criteria provided, single submitter. Criteria: Natera Variant Classification Schema (03/2026). Collection method: clinical testing. Allele origin: germline.
Comment: The c.7557+1G>T variant in COL7A1 is a canonical splice donor site variant predicted to affect pre-mRNA splicing, which may result in an abnormal transcript and altered protein product. This variant is expected to result in nonsense mediated decay, truncation, or a dysfunctional protein product. This variant is rare in the general population with a frequency below the threshold expected for the associated phenotype(s). Given the available evidence, this variant is classified as Likely Pathogenic.

Fulgent Genetics
Classification: Likely pathogenic for Transient bullous dermolysis of the newborn; Generalized dominant dystrophic epidermolysis bullosa; Pretibial dystrophic epidermolysis bullosa; Dominant dystrophic epidermolysis bullosa with absence of skin; Recessive dystrophic epidermolysis bullosa; Epidermolysis bullosa pruriginosa; Nonsyndromic congenital nail disorder 8. Last evaluated: 2023-12-23. Review status: criteria provided, single submitter. Criteria: ACMG Guidelines, 2015. Collection method: clinical testing. Allele origin: germline.

Laboratory for Molecular Medicine, Mass General Brigham Personalized Medicine
Classification: Likely pathogenic for Epidermolysis bullosa dystrophica, AD, Epidermolysis bullosa dystrophica, AR. Last evaluated: 2013-10-07. Review status: criteria provided, single submitter. Criteria: LMM Criteria. Collection method: clinical testing. Allele origin: germline. Inheritance: Autosomal recessive inheritance. Observed: 2 variant alleles. Study: CSER-MedSeq.
Comment: The 7557+1G>T variant in COL7A1 has not been reported in the literature or in large population studies. This variant occurs in the invariant region (+/- 1,2) of the splice consensus sequence and is predicted to cause altered splicing leading to an abnormal or absent protein. Loss of function of the COL7A1 gene is an established disease mechanism in Epidermolysis bullosa dystrophica patients. It should be noted that mutations in COL7A1 gene have been associated with both autosomal recessive and dominant forms of this disease and the inheritance of each variant can only be determined based on its segregation pattern in families and molecular studies; however splicing mutations have been more frequently observed in autosomal recessive Epidermolysis bullosa dystrophica (Varki 2007). If this variant were to cause skipping of exon 100, it would cause a deletion of 12 amino acids between positions 2508-2519 and would not alter the protein reading-frame. It is currently unclear how this deletion would impact the protein, though two pathogenic missense variants have previously been reported in exon 100 (Almaani 2011), suggesting that this exon is likely to have an important role in protein function. In summary, this variant is likely pathogenic, though additional studies are required to fully establish its clinical significance.

Literature cited by the submitters: PubMed 16199547 (cited by Labcorp Genetics (formerly Invitae), Labcorp); PubMed 16971478 (cited by Labcorp Genetics (formerly Invitae), Labcorp and Laboratory for Molecular Medicine, Mass General Brigham Personalized Medicine); PubMed 21448560 (cited by Laboratory for Molecular Medicine, Mass General Brigham Personalized Medicine).

NM_000094.4(COL7A1):c.7557+1G>T

Gene: COL7A1 (collagen type VII alpha 1 chain; minus strand). Cytogenetic location: 3p21.31.
Variant type: single nucleotide variant.
Coding change: c.7557+1G>T on transcript NM_000094.4 (MANE Select); the canonical splice donor site of the intron after coding-DNA position 7557, G replaced by T.
Molecular consequence: splice donor variant.
Genome position (GRCh38, 1-based): chr3:48,569,724, C>A on the plus strand (G>T on the coding strand, the complement: COL7A1 is on the minus strand). VCF-style: chr3-48569724-C-A. GRCh37 (hg19) VCF-style: chr3-48607157-C-A.
Identifiers: ClinVar variation 189226 (VCV000189226.16), dbSNP rs786204774, ClinGen allele CA199158.